The following is an entry in ClinVar:

ClinVar aggregate classification (germline): Uncertain significance (1 of 4 stars; one submission).

Conditions:
Hereditary breast ovarian cancer syndrome. Also called: Hereditary breast and ovarian cancer syndrome; Hereditary breast and/or ovarian cancer syndrome; BRCA1- and BRCA2-Associated Hereditary Breast and Ovarian Cancer; Hereditary breast and ovarian cancer; Breast and ovarian cancer; Hereditary breast and ovarian cancer syndrome (HBOC). Identifiers: Orphanet 145, MedGen C0677776, MeSH D061325, MONDO:0003582. Disease mechanism: loss of function.

Submission:

Labcorp Genetics (formerly Invitae), Labcorp
Classification: Uncertain significance for Hereditary breast ovarian cancer syndrome. Last evaluated: 2023-10-04. Review status: criteria provided, single submitter. Criteria: Invitae Variant Classification Sherloc (09022015). Collection method: clinical testing. Allele origin: germline.
Comment: This sequence change replaces glutamic acid, which is acidic and polar, with glycine, which is neutral and non-polar, at codon 1540 of the BRCA1 protein (p.Glu1540Gly). This variant is not present in population databases (gnomAD no frequency). This variant has not been reported in the literature in individuals affected with BRCA1-related conditions. Advanced modeling of protein sequence and biophysical properties (such as structural, functional, and spatial information, amino acid conservation, physicochemical variation, residue mobility, and thermodynamic stability) performed at Invitae indicates that this missense variant is not expected to disrupt BRCA1 protein function. In summary, the available evidence is currently insufficient to determine the role of this variant in disease. Therefore, it has been classified as a Variant of Uncertain Significance.

NM_007294.4(BRCA1):c.4619A>G (p.Glu1540Gly)

Gene: BRCA1 (BRCA1 DNA repair associated; minus strand). Cytogenetic location: 17q21.31.
Variant type: single nucleotide variant.
Coding change: c.4619A>G on transcript NM_007294.4 (MANE Select); coding-DNA position 4619, A replaced by G.
Protein change: p.Glu1540Gly; replaces glutamic acid 1540 with glycine.
Molecular consequence: missense variant. On other transcripts: intron variant (3).
Genome position (GRCh38, 1-based): chr17:43,074,387, T>C on the plus strand (A>G on the coding strand, the complement: BRCA1 is on the minus strand). VCF-style: chr17-43074387-T-C. GRCh37 (hg19) VCF-style: chr17-41226404-T-C.
Other names: c.4538A>G, p.Glu1513Gly (NM_001407658.1, NM_001407656.1, NM_001407657.1); c.1100A>G, p.Glu367Gly (NM_001408478.1, NM_001408479.1, NM_001408480.1); c.4535A>G, p.Glu1512Gly (NM_001407659.1, NM_001407660.1, NM_001407661.1 and 2 more transcripts); c.1097A>G, p.Glu366Gly (NM_001408481.1, NM_001408491.1, NM_001408489.1 and 5 more transcripts); c.4496A>G, p.Glu1499Gly (NM_001407667.1, NM_001407668.1, NM_001407664.1 and 6 more transcripts); c.4616A>G, p.Glu1539Gly (NM_001407612.1, NM_001407613.1, NM_001407614.1 and 17 more transcripts); c.4613A>G, p.Glu1538Gly (NM_001407627.1, NM_001407628.1, NM_001407629.1 and 14 more transcripts); c.4610A>G, p.Glu1537Gly (NM_001407644.1, NM_001407645.1); and 71 more; short protein forms E1413G, E1470G, E1471G, E1497G, E1499G, E1513G, E1535G, E269G.
Identifiers: ClinVar variation 2765073 (VCV002765073.3), dbSNP rs2551454444, ClinGen allele CA10592273.